The following is an entry in ClinVar:

ClinVar aggregate classification (germline): Uncertain significance (1 of 4 stars; one submission).

Submission:

GeneDx
Classification: Uncertain significance. Last evaluated: 2020-02-03. Review status: criteria provided, single submitter. Criteria: GeneDx Variant Classification Process June 2021. Collection method: clinical testing. Allele origin: germline. Affected: yes.
Comment: Not observed in large population cohorts (Lek et al., 2016); In silico analysis supports a deleterious effect on protein structure/function; Has not been previously published as pathogenic or benign to our knowledge

NM_020297.4(ABCC9):c.3841_3842delinsGT (p.Lys1281Val)

Genes: ABCC9 (ATP binding cassette subfamily C member 9; minus strand), KCNJ8-AS1 (KCNJ8 antisense RNA 1; plus strand). Cytogenetic location: 12p12.1.
Variant type: Indel.
Coding change: c.3841_3842delinsGT on transcript NM_020297.4 (MANE Select); coding-DNA positions 3841 to 3842, AA replaced by GT.
Protein change: p.Lys1281Val; replaces lysine 1281 with valine.
Molecular consequence: missense variant.
Genome position (GRCh38, 1-based): chr12:21,817,237-21,817,238, TT replaced by AC on the plus strand (AA replaced by GT on the coding strand, the reverse complement: ABCC9 is on the minus strand). VCF-style: chr12-21817237-TT-AC. GRCh37 (hg19) VCF-style: chr12-21970171-TT-AC.
Other names: c.3841_3842delinsGT, p.Lys1281Val (NM_001377273.1, NM_005691.4); c.2974_2975delinsGT, p.Lys992Val (NM_001377274.1); short protein forms K1281V, K992V.
Identifiers: ClinVar variation 420358 (VCV000420358.3), dbSNP rs1064794431, ClinGen allele CA16619500.